The following is an entry in ClinVar:

NM_000143.4(FH):c.1236+5G>A

Gene: FH (fumarate hydratase; minus strand). Cytogenetic location: 1q43.
Variant type: single nucleotide variant.
Coding change: c.1236+5G>A on transcript NM_000143.4 (MANE Select); 5 bases into the intron after coding-DNA position 1236, G replaced by A.
Molecular consequence: intron variant.
Genome position (GRCh38, 1-based): chr1:241,502,438, C>T on the plus strand (G>A on the coding strand, the complement: FH is on the minus strand). VCF-style: chr1-241502438-C-T. GRCh37 (hg19) VCF-style: chr1-241665738-C-T.
Other names: c.1236+5G>A (NM_000143.3).
Identifiers: ClinVar variation 1364749 (VCV001364749.7), dbSNP rs374494513, ClinGen allele CA1478524.

ClinVar aggregate classification (germline): Uncertain significance. Review status: criteria provided, multiple submitters, no conflicts (2 of 4 stars). 2 submissions from 2 submitters: Uncertain significance (2). Last evaluated 2026-08-05.

Conditions:
Hereditary cancer-predisposing syndrome. Also called: Hereditary Cancer Syndrome; Neoplastic Syndromes, Hereditary; Hereditary neoplastic syndrome; Tumor predisposition. Identifiers: Orphanet 140162, MedGen C0027672, MeSH D009386, MONDO:0015356.

Allele frequency attached by ClinVar (database versions not stated): ExAC 0.00002; gnomAD exomes 0.00001 and below 0.00001; TOPMed below 0.00001; ESP Exome Variant Server 0.00008.
gnomAD v4.1: 1 of 1,613,948 alleles (0.000062%); highest among the groups gnomAD compares: African/African-American, 0.0013%; no homozygotes.

Submissions (2):

Ambry Genetics
Classification: Uncertain significance for Hereditary cancer-predisposing syndrome. Last evaluated: 2026-08-05. Review status: criteria provided, single submitter. Criteria: Ambry Variant Classification Scheme 2023. Collection method: clinical testing. Allele origin: germline.
Comment: The c.1236+5G>A intronic variant results from a G to A substitution 5 nucleotides after coding exon 8 in the FH gene. This nucleotide position is highly conserved in available vertebrate species. In silico splice site analysis predicts that this alteration will not have any significant effect on splicing. Based on the available evidence, the clinical significance of this variant remains unclear.

Labcorp Genetics (formerly Invitae), Labcorp
Classification: Uncertain significance. Last evaluated: 2025-07-27. Review status: criteria provided, single submitter. Criteria: Invitae Variant Classification Sherloc (09022015). Collection method: clinical testing. Allele origin: germline.
Comment: This sequence change falls in intron 8 of the FH gene. It does not directly change the encoded amino acid sequence of the FH protein. It affects a nucleotide within the consensus splice site. This variant is present in population databases (rs374494513, gnomAD 0.02%). This variant has not been reported in the literature in individuals affected with FH-related conditions. ClinVar contains an entry for this variant (Variation ID: 1364749). Variants that disrupt the consensus splice site are a relatively common cause of aberrant splicing (PMID: 17576681, 9536098). Algorithms developed to predict the effect of sequence changes on RNA splicing suggest that this variant is not likely to affect RNA splicing. In summary, the available evidence is currently insufficient to determine the role of this variant in disease. Therefore, it has been classified as a Variant of Uncertain Significance.

Literature cited by the submitters: PubMed 17576681 (cited by Labcorp Genetics (formerly Invitae), Labcorp); PubMed 9536098 (cited by Labcorp Genetics (formerly Invitae), Labcorp).